The following is an entry in ClinVar:

ClinVar aggregate classification (germline): Uncertain significance (1 of 4 stars; one submission).

Allele frequency attached by ClinVar (database versions not stated): gnomAD exomes 0.00001.
gnomAD v4.1: 3 of 1,614,210 alleles (0.00019%); highest among the groups gnomAD compares: South Asian, 0.0033%; no homozygotes.

Submission:

Labcorp Genetics (formerly Invitae), Labcorp
Classification: Uncertain significance. Last evaluated: 2022-07-06. Review status: criteria provided, single submitter. Criteria: Invitae Variant Classification Sherloc (09022015). Collection method: clinical testing. Allele origin: germline.
Comment: In summary, the available evidence is currently insufficient to determine the role of this variant in disease. Therefore, it has been classified as a Variant of Uncertain Significance. Advanced modeling of protein sequence and biophysical properties (such as structural, functional, and spatial information, amino acid conservation, physicochemical variation, residue mobility, and thermodynamic stability) performed at Invitae indicates that this missense variant is expected to disrupt COL9A1 protein function. ClinVar contains an entry for this variant (Variation ID: 849049). This variant has not been reported in the literature in individuals affected with COL9A1-related conditions. This variant is present in population databases (no rsID available, gnomAD 0.006%). This sequence change replaces glycine, which is neutral and non-polar, with serine, which is neutral and polar, at codon 523 of the COL9A1 protein (p.Gly523Ser).

NM_001851.6(COL9A1):c.1567G>A (p.Gly523Ser)

Gene: COL9A1 (collagen type IX alpha 1 chain; minus strand). Cytogenetic location: 6q13.
Variant type: single nucleotide variant.
Coding change: c.1567G>A on transcript NM_001851.6 (MANE Select); coding-DNA position 1567, G replaced by A.
Protein change: p.Gly523Ser; replaces glycine 523 with serine.
Molecular consequence: missense variant. On other transcripts: non-coding transcript variant (1).
Genome position (GRCh38, 1-based): chr6:70,255,194, C>T on the plus strand (G>A on the coding strand, the complement: COL9A1 is on the minus strand). VCF-style: chr6-70255194-C-T. GRCh37 (hg19) VCF-style: chr6-70964897-C-T.
Other names: c.838G>A, p.Gly280Ser (NM_001377289.1, NM_001377290.1, NM_078485.4); short protein forms G280S, G523S.
Identifiers: ClinVar variation 849049 (VCV000849049.9), dbSNP rs1461660189, ClinGen allele CA364677881.